The following is an entry in ClinVar:

ClinVar aggregate classification (germline): Uncertain significance (0 of 4 stars; one submission).

Conditions:
LRRK1-related disorder. Also called: LRRK1-related condition.

Submission:

PreventionGenetics, part of Exact Sciences
Classification: Uncertain significance for LRRK1-related condition. Last evaluated: 2023-11-29. Review status: no assertion criteria provided. Collection method: clinical testing. Allele origin: germline.
Comment: The LRRK1 c.1064A>G variant is predicted to result in the amino acid substitution p.Gln355Arg. To our knowledge, this variant has not been reported in the literature or in a large population database, indicating this variant is rare. At this time, the clinical significance of this variant is uncertain due to the absence of conclusive functional and genetic evidence.

NM_024652.6(LRRK1):c.1064A>G (p.Gln355Arg)

Gene: LRRK1 (leucine rich repeat kinase 1; plus strand). Cytogenetic location: 15q26.3.
Variant type: single nucleotide variant.
Coding change: c.1064A>G on transcript NM_024652.6 (MANE Select); coding-DNA position 1064, A replaced by G.
Protein change: p.Gln355Arg; replaces glutamine 355 with arginine.
Molecular consequence: missense variant.
Genome position (GRCh38, 1-based): chr15:101,010,524, A>G. VCF-style: chr15-101010524-A-G. GRCh37 (hg19) VCF-style: chr15-101550729-A-G.
Other names: short protein forms Q355R.
Identifiers: ClinVar variation 3054904 (VCV003054904.2), dbSNP rs2505349069, ClinGen allele CA393955944.